The following is an entry in ClinVar:

NM_001042413.2(GLIS3):c.*1636G>T

Gene: GLIS3 (GLIS family zinc finger 3; minus strand). Cytogenetic location: 9p24.2.
Variant type: single nucleotide variant.
Coding change: c.*1636G>T on transcript NM_001042413.2 (MANE Select); 1636 bases downstream of the stop codon, G replaced by T.
Molecular consequence: 3 prime UTR variant.
Genome position (GRCh38, 1-based): chr9:3,826,636, C>A on the plus strand (G>T on the coding strand, the complement: GLIS3 is on the minus strand). VCF-style: chr9-3826636-C-A. GRCh37 (hg19) VCF-style: chr9-3826636-C-A.
Other names: c.*1636G>T (NM_152629.4).
Identifiers: ClinVar variation 366933 (VCV000366933.5), dbSNP rs183582256, ClinGen allele CA10627351.

ClinVar aggregate classification (germline): Likely benign (1 of 4 stars; one submission).

Conditions:
Neonatal diabetes mellitus with congenital hypothyroidism. Also called: NDH SYNDROME. Identifiers: Orphanet 79118, MedGen C1857775, MONDO:0012436, OMIM 610199.

Allele frequency attached by ClinVar (database versions not stated): gnomAD 0.00003 and 0.00005; TOPMed 0.00006; 1000 Genomes Project 0.00060; 1000 Genomes Project 30x 0.00062.

Submission:

Illumina Laboratory Services, Illumina
Classification: Likely benign for Neonatal diabetes mellitus with congenital hypothyroidism. Last evaluated: 2018-01-13. Review status: criteria provided, single submitter. Criteria: ICSL Variant Classification Criteria 13 December 2019. Collection method: clinical testing. Allele origin: germline.
Comment: This variant was observed in the ICSL laboratory as part of a predisposition screen in an ostensibly healthy population. It had not been previously curated by ICSL or reported in the Human Gene Mutation Database (HGMD: prior to June 1st, 2018), and was therefore a candidate for classification through an automated scoring system. Utilizing variant allele frequency, disease prevalence and penetrance estimates, and inheritance mode, an automated score was calculated to assess if this variant is too frequent to cause the disease. Based on the score and internal cut-off values, a variant classified as likely benign is not then subjected to further curation. The score for this variant resulted in a classification of likely benign for this disease.